The following is an entry in ClinVar:

ClinVar aggregate classification (germline): Conflicting classifications of pathogenicity. Review status: criteria provided, conflicting classifications (1 of 4 stars). 2 submissions from 2 submitters: Uncertain significance (1); Likely benign (1). Last evaluated 2024-11-20.

Conditions:
Inborn genetic diseases. Identifiers: MedGen C0950123, MeSH D030342.
Duane-radial ray syndrome (DRRS). Also called: ACRORENOOCULAR SYNDROME; DR SYNDROME; DUANE ANOMALY WITH RADIAL RAY ABNORMALITIES AND DEAFNESS; Okihiro Syndrome; Duane-Radial Ray Syndrome/Okihiro Syndrome; Duane-Radial Ray Syndrome (DRRS) / Okihiro Syndrome. Identifiers: Orphanet 93293, Orphanet 959, MedGen C1623209, MONDO:0011812, OMIM 607323. Disease mechanism: gain of function.

Allele frequency attached by ClinVar (database versions not stated): ExAC 0.00002.
gnomAD v4.1: 7 of 1,614,172 alleles (0.00043%); highest among the groups gnomAD compares: Middle Eastern, 0.016%; no homozygotes.

Submissions (2):

Ambry Genetics
Classification: Likely benign for Inborn genetic diseases. Last evaluated: 2024-11-20. Review status: criteria provided, single submitter. Criteria: Ambry Variant Classification Scheme 2023. Collection method: clinical testing. Allele origin: germline.

Labcorp Genetics (formerly Invitae), Labcorp
Classification: Uncertain significance for Duane-radial ray syndrome. Last evaluated: 2023-07-26. Review status: criteria provided, single submitter. Criteria: Invitae Variant Classification Sherloc (09022015). Collection method: clinical testing. Allele origin: germline.
Comment: In summary, the available evidence is currently insufficient to determine the role of this variant in disease. Therefore, it has been classified as a Variant of Uncertain Significance. Algorithms developed to predict the effect of missense changes on protein structure and function output the following: SIFT: "Not Available"; PolyPhen-2: "Benign"; Align-GVGD: "Not Available". The methionine amino acid residue is found in multiple mammalian species, which suggests that this missense change does not adversely affect protein function. This variant has not been reported in the literature in individuals affected with SALL4-related conditions. This variant is present in population databases (rs778170676, gnomAD 0.007%). This sequence change replaces valine, which is neutral and non-polar, with methionine, which is neutral and non-polar, at codon 982 of the SALL4 protein (p.Val982Met).

NM_020436.5(SALL4):c.2944G>A (p.Val982Met)

Gene: SALL4 (spalt like transcription factor 4; minus strand). Cytogenetic location: 20q13.2.
Variant type: single nucleotide variant.
Coding change: c.2944G>A on transcript NM_020436.5 (MANE Select); coding-DNA position 2944, G replaced by A.
Protein change: p.Val982Met; replaces valine 982 with methionine.
Molecular consequence: missense variant.
Genome position (GRCh38, 1-based): chr20:51,784,483, C>T on the plus strand (G>A on the coding strand, the complement: SALL4 is on the minus strand). VCF-style: chr20-51784483-C-T. GRCh37 (hg19) VCF-style: chr20-50401022-C-T.
Other names: c.1633G>A, p.Val545Met (NM_001318031.2); short protein forms V545M, V982M.
Identifiers: ClinVar variation 2701971 (VCV002701971.4), dbSNP rs778170676, ClinGen allele CA9911963.